The following is an entry in ClinVar:

ClinVar aggregate classification (germline): Uncertain significance (1 of 4 stars; one submission).

Submission:

GeneDx
Classification: Uncertain significance. Last evaluated: 2021-11-02. Review status: criteria provided, single submitter. Criteria: GeneDx Variant Classification Process June 2021. Collection method: clinical testing. Allele origin: germline. Affected: yes.
Comment: Not observed at significant frequency in large population cohorts (Lek et al., 2016); In silico analysis supports that this missense variant has a deleterious effect on protein structure/function; Has not been previously published as pathogenic or benign to our knowledge

NM_005629.4(SLC6A8):c.1161C>G (p.Ile387Met)

Gene: SLC6A8 (solute carrier family 6 member 8; plus strand). Cytogenetic location: Xq28.
Variant type: single nucleotide variant.
Coding change: c.1161C>G on transcript NM_005629.4 (MANE Select); coding-DNA position 1161, C replaced by G.
Protein change: p.Ile387Met; replaces isoleucine 387 with methionine.
Molecular consequence: missense variant.
Genome position (GRCh38, 1-based): chrX:153,693,924, C>G. VCF-style: chrX-153693924-C-G. GRCh37 (hg19) VCF-style: chrX-152959379-C-G.
Other names: c.1131C>G, p.Ile377Met (NM_001142805.2); c.816C>G, p.Ile272Met (NM_001142806.1); short protein forms I272M, I377M, I387M.
Identifiers: ClinVar variation 1321489 (VCV001321489.2), dbSNP rs782582952, ClinGen allele CA415086178.